The following is an entry in ClinVar:

ClinVar aggregate classification (germline): Pathogenic (1 of 4 stars; one submission).

Conditions:
Hereditary cancer-predisposing syndrome. Also called: Neoplastic Syndromes, Hereditary; Tumor predisposition; Hereditary Cancer Syndrome; Hereditary neoplastic syndrome. Identifiers: Orphanet 140162, MedGen C0027672, MeSH D009386, MONDO:0015356.

Submission:

Molecular Diagnostics Laboratory, Catalan Institute of Oncology
Classification: Pathogenic for Hereditary cancer-predisposing syndrome. Last evaluated: 2024-09-19. Review status: criteria provided, single submitter. Criteria: MMR VCEP Paper Draft V3.1. Collection method: clinical testing. Allele origin: germline.
Comment: PVS1, PM2_Supporting, PP4_Moderate c.717_723dup, located in exon 7 of the PMS2 gene, consists in the duplication of 7 nucleotides, causing a translational frameshift with a predicted alternate stop codon, p.(Phe242Hisfs*9). This alteration is expected to result in loss of function by premature protein truncation and nonsense-mediated mRNA decay (PVS1). It is not present in the population database gnomAD v2.1.1, non-cancer dataset (PM2_supporting). To our knowledge, neither relevant clinical data nor well-established functional studies have been reported for this variant. It has been identified in multiple individuals with colorectal cancer whose tumours showed loss of PMS2 protein expression on immunohistochemistry (Internal data) (PP4_moderate). This variant has been reported in the ClinVar database (6x pathogenic) but it has not been identified either in InSiGHT or LOVD databases. Based on currently available information, the variant c.717_723dup should be considered a pathogenic variant.

NM_000535.7(PMS2):c.719_720insCCTCATT (p.Pro241fs)

Gene: PMS2 (PMS1 homolog 2, mismatch repair system component; minus strand). Cytogenetic location: 7p22.1.
Variant type: Insertion.
Coding change: c.719_720insCCTCATT on transcript NM_000535.7 (MANE Select); coding-DNA positions 719 to 720, CCTCATT inserted.
Protein change: p.Pro241fs; shifts the reading frame from proline 241.
Molecular consequence: frameshift variant. On other transcripts: non-coding transcript variant (1), intron variant (3), 5 prime UTR variant (2).
Genome position: GRCh38 VCF-style: chr7-5997409-A-AAATGAGG. GRCh37 (hg19) VCF-style: chr7-6037040-A-AAATGAGG.
Other names: c.314_315insCCTCATT, p.Pro106fs (NM_001406887.1, NM_001406888.1, NM_001406889.1 and 19 more transcripts); c.410_411insCCTCATT, p.Pro138fs (NM_001406900.1, NM_001322015.2, NM_001406875.1 and 6 more transcripts); c.401_402insCCTCATT, p.Pro135fs (NM_001406901.1, NM_001406902.1, NM_001406903.1 and 4 more transcripts); c.206_207insCCTCATT, p.Pro70fs (NM_001406904.1, NM_001406905.1); c.146_147insCCTCATT, p.Pro50fs (NM_001406909.1, NM_001322013.2); c.719_720insCCTCATT, p.Pro241fs (NM_001406912.1, NM_001322006.2, NM_001322014.2 and 3 more transcripts); c.132+5043_132+5044insTCCTCAT (NM_001406911.1); c.537+5043_537+5044insTCCTCAT (NM_001406886.1); and 7 more; short protein forms P106fs, P129fs, P135fs, P138fs, P185fs, P205fs, P241fs, P249fs.
Identifiers: ClinVar variation 3893663 (VCV003893663.1).